The following is an entry in ClinVar:

ClinVar aggregate classification (germline): Uncertain significance. Review status: criteria provided, multiple submitters, no conflicts (2 of 4 stars). 2 submissions from 2 submitters: Uncertain significance (2). Last evaluated 2025-06-03.

Conditions:
Inborn genetic diseases. Identifiers: MedGen C0950123, MeSH D030342.

Allele frequency attached by ClinVar (database versions not stated): TOPMed below 0.00001.
gnomAD v4.1: 2 of 1,614,186 alleles (0.00012%); highest among the groups gnomAD compares: African/African-American, 0.0027%; no homozygotes.

Submissions (2):

Ambry Genetics
Classification: Uncertain significance for Inborn genetic diseases. Last evaluated: 2025-06-03. Review status: criteria provided, single submitter. Criteria: Ambry Variant Classification Scheme 2023. Collection method: clinical testing. Allele origin: germline.

Labcorp Genetics (formerly Invitae), Labcorp
Classification: Uncertain significance. Last evaluated: 2022-07-12. Review status: criteria provided, single submitter. Criteria: Invitae Variant Classification Sherloc (09022015). Collection method: clinical testing. Allele origin: germline.
Comment: In summary, the available evidence is currently insufficient to determine the role of this variant in disease. Therefore, it has been classified as a Variant of Uncertain Significance. Algorithms developed to predict the effect of missense changes on protein structure and function (SIFT, PolyPhen-2, Align-GVGD) all suggest that this variant is likely to be tolerated. This variant has not been reported in the literature in individuals affected with ASXL1-related conditions. This variant is not present in population databases (gnomAD no frequency). This sequence change replaces serine, which is neutral and polar, with isoleucine, which is neutral and non-polar, at codon 1262 of the ASXL1 protein (p.Ser1262Ile).

NM_015338.6(ASXL1):c.3785G>T (p.Ser1262Ile)

Gene: ASXL1 (ASXL transcriptional regulator 1; plus strand). Cytogenetic location: 20q11.21.
Variant type: single nucleotide variant.
Coding change: c.3785G>T on transcript NM_015338.6 (MANE Select); coding-DNA position 3785, G replaced by T.
Protein change: p.Ser1262Ile; replaces serine 1262 with isoleucine.
Molecular consequence: missense variant.
Genome position (GRCh38, 1-based): chr20:32,436,497, G>T. VCF-style: chr20-32436497-G-T. GRCh37 (hg19) VCF-style: chr20-31024300-G-T.
Other names: c.3602G>T, p.Ser1201Ile (NM_001363734.1); short protein forms S1201I, S1262I.
Identifiers: ClinVar variation 1900961 (VCV001900961.6), dbSNP rs2011892810, ClinGen allele CA408563799.